The following is an entry in ClinVar:

ClinVar aggregate classification (germline): Likely benign (0 of 4 stars; one submission).

Conditions:
IFT172-related disorder. Also called: IFT172-related disorders; IFT172-related condition.

gnomAD v4.1: 18 of 1,613,874 alleles (0.0011%); highest among the groups gnomAD compares: Non-Finnish European, 0.0015%; no homozygotes.

Submission:

PreventionGenetics, part of Exact Sciences
Classification: Likely benign for IFT172-related condition. Last evaluated: 2023-10-11. Review status: no assertion criteria provided. Collection method: clinical testing. Allele origin: germline.
Comment: This variant is classified as likely benign based on ACMG/AMP sequence variant interpretation guidelines (Richards et al. 2015 PMID: 25741868, with internal and published modifications).

NM_015662.3(IFT172):c.1635T>C (p.Ser545=)

Gene: IFT172 (intraflagellar transport 172; minus strand). Cytogenetic location: 2p23.3.
Variant type: single nucleotide variant.
Coding change: c.1635T>C on transcript NM_015662.3 (MANE Select); coding-DNA position 1635, T replaced by C.
Protein change: p.Ser545=; no amino-acid change (serine 545 retained).
Molecular consequence: synonymous variant.
Genome position (GRCh38, 1-based): chr2:27,470,985, A>G on the plus strand (T>C on the coding strand, the complement: IFT172 is on the minus strand). VCF-style: chr2-27470985-A-G. GRCh37 (hg19) VCF-style: chr2-27693852-A-G.
Other names: c.1569T>C, p.Ser523= (NM_001410739.1).
Identifiers: ClinVar variation 3351530 (VCV003351530.1).